The following is an entry in ClinVar:

ClinVar aggregate classification (germline): Uncertain significance (1 of 4 stars; one submission).

gnomAD v4.1: 7 of 1,604,324 alleles (0.00044%); highest among the groups gnomAD compares: African/African-American, 0.0094%; no homozygotes.

Submission:

GeneDx
Classification: Uncertain significance. Last evaluated: 2025-07-15. Review status: criteria provided, single submitter. Criteria: GeneDx Variant Classification Process June 2021. Collection method: clinical testing. Allele origin: germline. Affected: yes.
Comment: Not observed at significant frequency in large population cohorts (gnomAD); In silico analysis supports that this missense variant has a deleterious effect on protein structure/function; Has not been previously published as pathogenic or benign to our knowledge

NM_001378609.3(OTOGL):c.5068C>T (p.Pro1690Ser)

Gene: OTOGL (otogelin like; plus strand). Cytogenetic location: 12q21.31.
Variant type: single nucleotide variant.
Coding change: c.5068C>T on transcript NM_001378609.3 (MANE Select); coding-DNA position 5068, C replaced by T.
Protein change: p.Pro1690Ser; replaces proline 1690 with serine.
Molecular consequence: missense variant.
Genome position (GRCh38, 1-based): chr12:80,341,965, C>T. VCF-style: chr12-80341965-C-T. GRCh37 (hg19) VCF-style: chr12-80735745-C-T.
Other names: c.4933C>T, p.Pro1645Ser (NM_001368062.3); c.5068C>T, p.Pro1690Ser (NM_001378610.3, NM_173591.7); short protein forms P1645S, P1690S.
Identifiers: ClinVar variation 4686251 (VCV004686251.1).